The following is an entry in ClinVar:

NM_033655.5(CNTNAP3):c.954C>T (p.Pro318=)

Gene: CNTNAP3 (contactin associated protein family member 3). Cytogenetic location: 9p12.
Variant type: single nucleotide variant.
Coding change: c.954C>T on transcript NM_033655.5 (MANE Select); coding-DNA position 954, C replaced by T.
Protein change: p.Pro318=; no amino-acid change (proline 318 retained).
Molecular consequence: synonymous variant.
Genome position (GRCh38, 1-based): chr9:39,176,066, G>A on the plus strand (C>T on the coding strand, the complement: CNTNAP3 is on the minus strand). VCF-style: chr9-39176066-G-A. GRCh37 (hg19) VCF-style: chr9-39176063-G-A.
Other names: c.954C>T, p.Pro318= (NM_001393379.1).
Identifiers: ClinVar variation 2659204 (VCV002659204.24), dbSNP rs142785222, ClinGen allele CA192311517.

ClinVar aggregate classification (germline): Benign (1 of 4 stars; one submission).

Allele frequency attached by ClinVar (database versions not stated): 1000 Genomes Project 30x 0.00172; 1000 Genomes Project 0.00220; ExAC 0.00473; gnomAD exomes 0.00511; ESP Exome Variant Server 0.00516.

Submission:

CeGaT Center for Human Genetics Tuebingen
Classification: Benign. Last evaluated: 2022-07-01. Review status: criteria provided, single submitter. Criteria: CeGaT Center For Human Genetics Tuebingen Variant Classification Criteria Version 2. Collection method: clinical testing. Allele origin: germline. Affected: yes. Observed: 1 variant allele.
Comment: CNTNAP3: BP4, BP7, BS1, BS2